The following is an entry in ClinVar:

ClinVar aggregate classification (germline): Pathogenic (1 of 4 stars; one submission).

Conditions:
Fanconi anemia complementation group E (FANCE). Also called: FANCE-Related Fanconi Anemia. Identifiers: Orphanet 84, MedGen C3160739, MONDO:0010953, OMIM 600901.

Submission:

Labcorp Genetics (formerly Invitae), Labcorp
Classification: Pathogenic for Fanconi anemia complementation group E. Last evaluated: 2024-02-12. Review status: criteria provided, single submitter. Criteria: Invitae Variant Classification Sherloc (09022015). Collection method: clinical testing. Allele origin: germline.
Comment: This sequence change creates a premature translational stop signal (p.Met473Asnfs*6) in the FANCE gene. It is expected to result in an absent or disrupted protein product. Loss-of-function variants in FANCE are known to be pathogenic (PMID: 11001585, 17924555). This variant is not present in population databases (gnomAD no frequency). This variant has not been reported in the literature in individuals affected with FANCE-related conditions. For these reasons, this variant has been classified as Pathogenic.

Literature cited by the submitters: PubMed 11001585; PubMed 17924555.

NM_021922.3(FANCE):c.1417dup (p.Met473fs)

Gene: FANCE (FA complementation group E; plus strand). Cytogenetic location: 6p21.31.
Variant type: Duplication.
Coding change: c.1417dup on transcript NM_021922.3 (MANE Select); coding-DNA position 1417, one base duplicated (A; older notation c.1417dupA).
Protein change: p.Met473fs; shifts the reading frame from methionine 473.
Molecular consequence: frameshift variant. On other transcripts: intron variant (1).
Genome position (GRCh38, 1-based): chr6:35,462,822, A duplicated; the last of 2 consecutive A bases (chr6:35,462,821-35,462,822); duplicating either gives the same sequence. VCF-style (leftmost placement, unchanged base first): chr6-35462820-T-TA. GRCh37 (hg19) VCF-style: chr6-35430597-T-TA.
Other names: c.1316+3062dup (NM_001410876.1); short protein forms M473fs.
Identifiers: ClinVar variation 3609685 (VCV003609685.2).